The following is an entry in ClinVar:

NM_018263.6(ASXL2):c.3272C>T (p.Ala1091Val)

Gene: ASXL2 (ASXL transcriptional regulator 2; minus strand). Cytogenetic location: 2p23.3.
Variant type: single nucleotide variant.
Coding change: c.3272C>T on transcript NM_018263.6 (MANE Select); coding-DNA position 3272, C replaced by T.
Protein change: p.Ala1091Val; replaces alanine 1091 with valine.
Molecular consequence: missense variant.
Genome position (GRCh38, 1-based): chr2:25,743,065, G>A on the plus strand (C>T on the coding strand, the complement: ASXL2 is on the minus strand). VCF-style: chr2-25743065-G-A. GRCh37 (hg19) VCF-style: chr2-25965934-G-A.
Other names: c.3098C>T, p.Ala1033Val (NM_001369346.1); c.2492C>T, p.Ala831Val (NM_001369347.1); short protein forms A1091V, A1033V, A831V.
Identifiers: ClinVar variation 2052349 (VCV002052349.4), dbSNP rs781151810, ClinGen allele CA1557500.
Genomic context (GRCh38, chr2:25,743,065, plus strand): 5'-GCAAAACCCAGCATGAACCTCTGGCTTGTGGAGATGTCTTCCAGCTGGAAACCTGAGTGA[G>A]CGAAGTTGAACTGTGAGGGCGGCACAACTGAGAGAAGATTCTGCCTCCGAACCCTCTGAA-3'
Protein context (NP_060733.4, residues 1081-1101): SVVPPSQFNF[Ala1091Val]HSGFQLEDIS

ClinVar aggregate classification (germline): Uncertain significance (1 of 4 stars; one submission).

Allele frequency attached by ClinVar (database versions not stated): ExAC 0.00023; gnomAD 0.00001; gnomAD exomes 0.00004; TOPMed 0.00002.
gnomAD v4.1: 55 of 1,613,906 alleles (0.0034%); highest among the groups gnomAD compares: Non-Finnish European, 0.0045%; no homozygotes.

Submission:

Labcorp Genetics (formerly Invitae), Labcorp
Classification: Uncertain significance. Last evaluated: 2022-07-01. Review status: criteria provided, single submitter. Criteria: Invitae Variant Classification Sherloc (09022015). Collection method: clinical testing. Allele origin: germline.
Comment: In summary, the available evidence is currently insufficient to determine the role of this variant in disease. Therefore, it has been classified as a Variant of Uncertain Significance. Algorithms developed to predict the effect of missense changes on protein structure and function (SIFT, PolyPhen-2, Align-GVGD) all suggest that this variant is likely to be tolerated. This variant has not been reported in the literature in individuals affected with ASXL2-related conditions. This variant is present in population databases (rs781151810, gnomAD 0.03%). This sequence change replaces alanine, which is neutral and non-polar, with valine, which is neutral and non-polar, at codon 1091 of the ASXL2 protein (p.Ala1091Val).